The following is an entry in ClinVar:

NM_000062.3(SERPING1):c.837C>G (p.Asp279Glu)

Gene: SERPING1 (serpin family G member 1; plus strand). Cytogenetic location: 11q12.1.
Variant type: single nucleotide variant.
Coding change: c.837C>G on transcript NM_000062.3 (MANE Select); coding-DNA position 837, C replaced by G.
Protein change: p.Asp279Glu; replaces aspartic acid 279 with glutamic acid.
Molecular consequence: missense variant.
Genome position (GRCh38, 1-based): chr11:57,606,161, C>G. VCF-style: chr11-57606161-C-G. GRCh37 (hg19) VCF-style: chr11-57373634-C-G.
Other names: c.837C>G, p.Asp279Glu (NM_001032295.2); short protein forms D279E.
Identifiers: ClinVar variation 2712264 (VCV002712264.3), dbSNP rs1406938278, ClinGen allele CA380699541.

ClinVar aggregate classification (germline): Uncertain significance (1 of 4 stars; one submission).

Submission:

Labcorp Genetics (formerly Invitae), Labcorp
Classification: Uncertain significance. Last evaluated: 2023-06-11. Review status: criteria provided, single submitter. Criteria: Invitae Variant Classification Sherloc (09022015). Collection method: clinical testing. Allele origin: germline.
Comment: This variant has not been reported in the literature in individuals affected with SERPING1-related conditions. This variant is not present in population databases (gnomAD no frequency). This sequence change replaces aspartic acid, which is acidic and polar, with glutamic acid, which is acidic and polar, at codon 279 of the SERPING1 protein (p.Asp279Glu). Algorithms developed to predict the effect of missense changes on protein structure and function output the following: SIFT: "Not Available"; PolyPhen-2: "Benign"; Align-GVGD: "Not Available". The glutamic acid amino acid residue is found in multiple mammalian species, which suggests that this missense change does not adversely affect protein function. In summary, the available evidence is currently insufficient to determine the role of this variant in disease. Therefore, it has been classified as a Variant of Uncertain Significance.